The following is an entry in ClinVar:

ClinVar aggregate classification (germline): Uncertain significance (1 of 4 stars; one submission).

Allele frequency attached by ClinVar (database versions not stated): gnomAD exomes below 0.00001.
gnomAD v4.1: 7 of 1,613,026 alleles (0.00043%); highest among the groups gnomAD compares: South Asian, 0.0066%; no homozygotes.

Submission:

Labcorp Genetics (formerly Invitae), Labcorp
Classification: Uncertain significance. Last evaluated: 2022-03-11. Review status: criteria provided, single submitter. Criteria: Invitae Variant Classification Sherloc (09022015). Collection method: clinical testing. Allele origin: germline.
Comment: This sequence change replaces alanine, which is neutral and non-polar, with proline, which is neutral and non-polar, at codon 385 of the MYO18B protein (p.Ala385Pro). This variant is present in population databases (rs752615927, gnomAD 0.02%). In summary, the available evidence is currently insufficient to determine the role of this variant in disease. Therefore, it has been classified as a Variant of Uncertain Significance. Algorithms developed to predict the effect of missense changes on protein structure and function are either unavailable or do not agree on the potential impact of this missense change (SIFT: "Not Available"; PolyPhen-2: "Benign"; Align-GVGD: "Not Available"). This variant has not been reported in the literature in individuals affected with MYO18B-related conditions.

NM_032608.7(MYO18B):c.1153G>C (p.Ala385Pro)

Gene: MYO18B (myosin XVIIIB; plus strand). Cytogenetic location: 22q12.1.
Variant type: single nucleotide variant.
Coding change: c.1153G>C on transcript NM_032608.7 (MANE Select); coding-DNA position 1153, G replaced by C.
Protein change: p.Ala385Pro; replaces alanine 385 with proline.
Molecular consequence: missense variant.
Genome position (GRCh38, 1-based): chr22:25,769,069, G>C. VCF-style: chr22-25769069-G-C. GRCh37 (hg19) VCF-style: chr22-26165036-G-C.
Other names: c.1153G>C, p.Ala385Pro (NM_001318245.2); short protein forms A385P.
Identifiers: ClinVar variation 2108698 (VCV002108698.4), dbSNP rs752615927, ClinGen allele CA10159768.
Genomic context (GRCh38, chr22:25,769,069, plus strand): 5'-TTGGGGGACGATCTGAGAATGGGGGAGAAAGCAGGTGAGCTTCGGAGCACGACTGGGAAG[G>C]CAGGTGAGTCCTGGGATAAGAAGGAAAAGATGGGGCAACCCCAGGGTAAGTCCGGGAACG-3'
Protein context (NP_115997.5, residues 375-395): AGELRSTTGK[Ala385Pro]GESWDKKEKM